The following is an entry in ClinVar:

ClinVar aggregate classification (germline): Uncertain significance (1 of 4 stars; one submission).

Conditions:
Dilated cardiomyopathy 1DD (CMD1DD). Identifiers: Orphanet 154, MedGen C2750995, MONDO:0013168, OMIM 613172.

gnomAD v4.1: 1 of 1,551,474 alleles (0.000064%); highest among the groups gnomAD compares: Non-Finnish European, 0.000087%; no homozygotes.

Submission:

Labcorp Genetics (formerly Invitae), Labcorp
Classification: Uncertain significance for Dilated cardiomyopathy 1DD. Last evaluated: 2025-12-31. Review status: criteria provided, single submitter. Criteria: Invitae Variant Classification Sherloc (09022015). Collection method: clinical testing. Allele origin: germline.
Comment: This sequence change replaces proline, which is neutral and non-polar, with serine, which is neutral and polar, at codon 645 of the RBM20 protein (p.Pro645Ser). This variant is not present in population databases (gnomAD no frequency). This variant has not been reported in the literature in individuals affected with RBM20-related conditions. ClinVar contains an entry for this variant (Variation ID: 3628689). Invitae Evidence Modeling of protein sequence and biophysical properties (such as structural, functional, and spatial information, amino acid conservation, physicochemical variation, residue mobility, and thermodynamic stability) has been performed for this missense variant. However, the output from this modeling did not meet the statistical confidence thresholds required to predict the impact of this variant on RBM20 protein function. In summary, the available evidence is currently insufficient to determine the role of this variant in disease. Therefore, it has been classified as a Variant of Uncertain Significance.

NM_001134363.3(RBM20):c.1933C>T (p.Pro645Ser)

Gene: RBM20 (RNA binding motif protein 20; plus strand). Cytogenetic location: 10q25.2.
Variant type: single nucleotide variant.
Coding change: c.1933C>T on transcript NM_001134363.3 (MANE Select); coding-DNA position 1933, C replaced by T.
Protein change: p.Pro645Ser; replaces proline 645 with serine.
Molecular consequence: missense variant.
Genome position (GRCh38, 1-based): chr10:110,812,330, C>T. VCF-style: chr10-110812330-C-T. GRCh37 (hg19) VCF-style: chr10-112572088-C-T.
Other names: short protein forms P645S.
Identifiers: ClinVar variation 3628689 (VCV003628689.2).